The following is an entry in ClinVar:

ClinVar aggregate classification (germline): Benign/Likely benign. Review status: criteria provided, multiple submitters, no conflicts (2 of 4 stars). 6 submissions from 6 submitters: Benign (3); Likely benign (2). 1 of the submissions does not count toward it. Last evaluated 2026-02-04.

Conditions:
FREM2-related disorder. Also called: FREM2-related condition.
Fraser syndrome 2 (FRASRS2). Identifiers: MedGen C4540036, MONDO:0054738, OMIM 617666.
Isolated cryptophthalmia. Also called: Cryptophthalmos, unilateral or bilateral, isolated; ANKYLOBLEPHARON, SIMPLE. Identifiers: Orphanet 91396, MedGen C1852453, MONDO:0007410, OMIM 123570.

Allele frequency attached by ClinVar (database versions not stated): gnomAD exomes 0.00075 and 0.00206; ExAC 0.00281; gnomAD 0.00828 and 0.00893; ESP Exome Variant Server 0.00884; TOPMed 0.00934; 1000 Genomes Project 0.00978; 1000 Genomes Project 30x 0.01015.
gnomAD v4.1: 2,395 of 1,613,550 alleles (0.15%); highest among the groups gnomAD compares: African/African-American, 2.7%; 26 homozygotes.

Submissions (6):

Labcorp Genetics (formerly Invitae), Labcorp
Classification: Benign. Last evaluated: 2026-02-04. Review status: criteria provided, single submitter. Criteria: Invitae Variant Classification Sherloc (09022015). Collection method: clinical testing. Allele origin: germline.

Mayo Clinic Laboratories, Mayo Clinic
Classification: Likely benign. Last evaluated: 2025-09-27. Review status: criteria provided, single submitter. Criteria: ACMG Guidelines, 2015. Collection method: clinical testing. Allele origin: germline. Observed: 1 variant allele.
Comment: BS1, BP4, BP7

Fulgent Genetics
Classification: Likely benign for Isolated cryptophthalmia; Fraser syndrome 2. Last evaluated: 2021-07-21. Review status: criteria provided, single submitter. Criteria: ACMG Guidelines, 2015. Collection method: clinical testing. Allele origin: unknown.

Illumina Laboratory Services, Illumina
Classification: Benign for Fraser syndrome 2. Last evaluated: 2018-01-13. Review status: criteria provided, single submitter. Criteria: ICSL Variant Classification Criteria 13 December 2019. Collection method: clinical testing. Allele origin: germline.
Comment: This variant was observed in the ICSL laboratory as part of a predisposition screen in an ostensibly healthy population. It had not been previously curated by ICSL or reported in the Human Gene Mutation Database (HGMD: prior to June 1st, 2018), and was therefore a candidate for classification through an automated scoring system. Utilizing variant allele frequency, disease prevalence and penetrance estimates, and inheritance mode, an automated score was calculated to assess if this variant is too frequent to cause the disease. Based on the score and internal cut-off values, a variant classified as benign is not then subjected to further curation. The score for this variant resulted in a classification of benign for this disease.

Breakthrough Genomics
Classification: Benign. Review status: criteria provided, single submitter. Criteria: ACMG Guidelines, 2015. Collection method: not provided. Allele origin: germline. Inheritance: Autosomal recessive inheritance. Affected: yes.

PreventionGenetics, part of Exact Sciences
Classification: Benign for FREM2-related condition. Last evaluated: 2020-01-16. Review status: no assertion criteria provided. Collection method: clinical testing. Allele origin: germline. Not counted in ClinVar's aggregate classification.
Comment: This variant is classified as benign based on ACMG/AMP sequence variant interpretation guidelines (Richards et al. 2015 PMID: 25741868, with internal and published modifications).

NM_207361.6(FREM2):c.6036C>T (p.Phe2012=)

Gene: FREM2 (FRAS1 related extracellular matrix 2; plus strand). Cytogenetic location: 13q13.3.
Variant type: single nucleotide variant.
Coding change: c.6036C>T on transcript NM_207361.6 (MANE Select); coding-DNA position 6036, C replaced by T.
Protein change: p.Phe2012=; no amino-acid change (phenylalanine 2012 retained).
Molecular consequence: synonymous variant.
Genome position (GRCh38, 1-based): chr13:38,846,589, C>T. VCF-style: chr13-38846589-C-T. GRCh37 (hg19) VCF-style: chr13-39420726-C-T.
Other names: p.Phe2012=.
Identifiers: ClinVar variation 312001 (VCV000312001.19), dbSNP rs115455037, ClinGen allele CA6955432.
Genomic context (GRCh38, chr13:38,846,589, plus strand): 5'-AAAAATAAAAATAACAGAAATGATTTCTGTTCCTTTCTTAACAGAACCCATCTTTTACTT[C>T]GGTGATGTGGAATACTCTGTGGATGAGAGTGCTGGCTATGTGGAAGTGCAGGTGTGGAGA-3'
Protein context (NP_997244.4, residues 2002-2022): PDKDDEPIFY[Phe2012=]GDVEYSVDES